The following is an entry in ClinVar:

NM_144499.3(GNAT1):c.255_273del (p.Thr86fs)

Gene: GNAT1 (G protein subunit alpha transducin 1; plus strand). Cytogenetic location: 3p21.31.
Variant type: Deletion.
Coding change: c.255_273del on transcript NM_144499.3 (MANE Select); coding-DNA positions 255 to 273, 19 bases deleted (CACACTCAACATCCAGTAC).
Protein change: p.Thr86fs; shifts the reading frame from threonine 86.
Molecular consequence: frameshift variant.
Genome position (GRCh38, 1-based): chr3:50,193,370-50,193,388, CACACTCAACATCCAGTAC deleted; deleting any 19 consecutive bases within chr3:50,193,368-50,193,388 gives the same sequence; the c. name uses the placement nearest the transcript's 3' end. VCF-style (leftmost placement, unchanged base first): chr3-50193367-GACCACACTCAACATCCAGT-G. GRCh37 (hg19) VCF-style: chr3-50230800-GACCACACTCAACATCCAGT-G.
Other names: c.255_273del, p.Thr86fs (NM_000172.4); short protein forms T86fs.
Identifiers: ClinVar variation 1070533 (VCV001070533.5), dbSNP rs2109138520, ClinGen allele CA2499216917.
Genomic context (GRCh38, chr3:50,193,367, plus strand): 5'-GTTTATCGCCATCATCTACGGCAACACGTTGCAGTCCATCCTGGCCATCGTACGCGCCAT[GACCACACTCAACATCCAGT>G]ACGGAGACTCTGCACGCCAGGTGTGCCAGGAGGCGGGCTGAGCGGGCCTCTGGGGACTCG-3'

ClinVar aggregate classification (germline): Pathogenic (1 of 4 stars; one submission).

Submission:

Labcorp Genetics (formerly Invitae), Labcorp
Classification: Pathogenic. Last evaluated: 2020-07-18. Review status: criteria provided, single submitter. Criteria: Invitae Variant Classification Sherloc (09022015). Collection method: clinical testing. Allele origin: germline.
Comment: This sequence change creates a premature translational stop signal (p.Thr86Glufs*12) in the GNAT1 gene. It is expected to result in an absent or disrupted protein product. For these reasons, this variant has been classified as Pathogenic. Loss-of-function variants in GNAT1 are known to be pathogenic (PMID: 11095744, 31736247). This variant has not been reported in the literature in individuals with GNAT1-related conditions. This variant is not present in population databases (ExAC no frequency).

Literature cited by the submitters: PubMed 11095744; PubMed 31736247.